The following is an entry in ClinVar:

ClinVar aggregate classification (germline): Uncertain significance (1 of 4 stars; one submission).

Conditions:
Hypertrophic cardiomyopathy 19. Also called: Familial hypertrophic cardiomyopathy 19. Identifiers: MedGen CN077603, MONDO:0013476.

Submission:

Labcorp Genetics (formerly Invitae), Labcorp
Classification: Uncertain significance for Hypertrophic cardiomyopathy 19. Last evaluated: 2024-07-06. Review status: criteria provided, single submitter. Criteria: Invitae Variant Classification Sherloc (09022015). Collection method: clinical testing. Allele origin: germline.
Comment: This sequence change replaces glutamic acid, which is acidic and polar, with lysine, which is basic and polar, at codon 229 of the CALR3 protein (p.Glu229Lys). This variant is not present in population databases (gnomAD no frequency). This variant has not been reported in the literature in individuals affected with CALR3-related conditions. Advanced modeling of protein sequence and biophysical properties (such as structural, functional, and spatial information, amino acid conservation, physicochemical variation, residue mobility, and thermodynamic stability) performed at Invitae indicates that this missense variant is not expected to disrupt CALR3 protein function with a negative predictive value of 80%. In summary, the available evidence is currently insufficient to determine the role of this variant in disease. Therefore, it has been classified as a Variant of Uncertain Significance.

NM_145046.5(CALR3):c.685G>A (p.Glu229Lys)

Gene: CALR3 (calreticulin 3; minus strand). Cytogenetic location: 19p13.11.
Variant type: single nucleotide variant.
Coding change: c.685G>A on transcript NM_145046.5 (MANE Select); coding-DNA position 685, G replaced by A.
Protein change: p.Glu229Lys; replaces glutamic acid 229 with lysine.
Molecular consequence: missense variant.
Genome position (GRCh38, 1-based): chr19:16,482,779, C>T on the plus strand (G>A on the coding strand, the complement: CALR3 is on the minus strand). VCF-style: chr19-16482779-C-T. GRCh37 (hg19) VCF-style: chr19-16593590-C-T.
Other names: short protein forms E229K.
Identifiers: ClinVar variation 3678151 (VCV003678151.2).